The following is an entry in ClinVar:

ClinVar aggregate classification (germline): Uncertain significance. Review status: criteria provided, multiple submitters, no conflicts (2 of 4 stars). 2 submissions from 2 submitters: Uncertain significance (2). Last evaluated 2023-03-10.

Conditions:
X-linked Emery-Dreifuss muscular dystrophy. Also called: Muscular dystrophy, tardive Emery-Dreifuss type, with contractures. Identifiers: Orphanet 261, Orphanet 98863, MedGen C0751337, MONDO:0010680.
Cardiovascular phenotype. Identifiers: MedGen CN230736.

Submissions (2):

Labcorp Genetics (formerly Invitae), Labcorp
Classification: Uncertain significance for X-linked Emery-Dreifuss muscular dystrophy. Last evaluated: 2023-03-10. Review status: criteria provided, single submitter. Criteria: Invitae Variant Classification Sherloc (09022015). Collection method: clinical testing. Allele origin: germline.
Comment: This sequence change replaces tyrosine, which is neutral and polar, with cysteine, which is neutral and slightly polar, at codon 59 of the EMD protein (p.Tyr59Cys). This variant is not present in population databases (gnomAD no frequency). This variant has not been reported in the literature in individuals affected with EMD-related conditions. ClinVar contains an entry for this variant (Variation ID: 1056143). Advanced modeling of protein sequence and biophysical properties (such as structural, functional, and spatial information, amino acid conservation, physicochemical variation, residue mobility, and thermodynamic stability) performed at Invitae indicates that this missense variant is expected to disrupt EMD protein function. In summary, the available evidence is currently insufficient to determine the role of this variant in disease. Therefore, it has been classified as a Variant of Uncertain Significance.

Ambry Genetics
Classification: Uncertain significance for Cardiovascular phenotype. Last evaluated: 2021-09-17. Review status: criteria provided, single submitter. Criteria: Ambry Variant Classification Scheme 2023. Collection method: clinical testing. Allele origin: germline.
Comment: The p.Y59C variant (also known as c.176A>G), located in coding exon 2 of the EMD gene, results from an A to G substitution at nucleotide position 176. The tyrosine at codon 59 is replaced by cysteine, an amino acid with highly dissimilar properties. This amino acid position is well conserved in available vertebrate species. In addition, this alteration is predicted to be tolerated by in silico analysis. Since supporting evidence is limited at this time, the clinical significance of this alteration remains unclear.

NM_000117.3(EMD):c.176A>G (p.Tyr59Cys)

Gene: EMD (emerin; plus strand). Cytogenetic location: Xq28.
Variant type: single nucleotide variant.
Coding change: c.176A>G on transcript NM_000117.3 (MANE Select); coding-DNA position 176, A replaced by G.
Protein change: p.Tyr59Cys; replaces tyrosine 59 with cysteine.
Molecular consequence: missense variant.
Genome position (GRCh38, 1-based): chrX:154,379,783, A>G. VCF-style: chrX-154379783-A-G. GRCh37 (hg19) VCF-style: chrX-153608143-A-G.
Other names: short protein forms Y59C.
Identifiers: ClinVar variation 1056143 (VCV001056143.11), dbSNP rs2148128196, ClinGen allele CA415257544.